The following is an entry in ClinVar:

ClinVar aggregate classification (germline): Uncertain significance. Review status: criteria provided, multiple submitters, no conflicts (2 of 4 stars). 2 submissions from 2 submitters: Uncertain significance (2). Last evaluated 2025-02-05.

Conditions:
Inborn genetic diseases. Identifiers: MedGen C0950123, MeSH D030342.

gnomAD v4.1: 5 of 1,613,976 alleles (0.00031%); highest among the groups gnomAD compares: Admixed American, 0.0017%; no homozygotes.

Submissions (2):

Ambry Genetics
Classification: Uncertain significance for Inborn genetic diseases. Last evaluated: 2025-02-05. Review status: criteria provided, single submitter. Criteria: Ambry Variant Classification Scheme 2023. Collection method: clinical testing. Allele origin: germline.
Comment: The p.K510E variant (also known as c.1528A>G), located in coding exon 1 of the SAMD9L gene, results from an A to G substitution at nucleotide position 1528. The lysine at codon 510 is replaced by glutamic acid, an amino acid with similar properties. This amino acid position is conserved. In addition, this alteration is predicted to be tolerated by in silico analysis. Based on the available evidence, the clinical significance of this variant remains unclear.

GeneDx
Classification: Uncertain significance. Last evaluated: 2023-11-25. Review status: criteria provided, single submitter. Criteria: GeneDx Variant Classification Process June 2021. Collection method: clinical testing. Allele origin: germline. Affected: yes.
Comment: Not observed at significant frequency in large population cohorts (gnomAD); In silico analysis supports that this missense variant does not alter protein structure/function; Has not been previously published as pathogenic or benign to our knowledge; This variant is associated with the following publications: (PMID: 28545555)

NM_152703.5(SAMD9L):c.1528A>G (p.Lys510Glu)

Gene: SAMD9L (sterile alpha motif domain containing 9 like; minus strand). Cytogenetic location: 7q21.2.
Variant type: single nucleotide variant.
Coding change: c.1528A>G on transcript NM_152703.5 (MANE Select); coding-DNA position 1528, A replaced by G.
Protein change: p.Lys510Glu; replaces lysine 510 with glutamic acid.
Molecular consequence: missense variant.
Genome position (GRCh38, 1-based): chr7:93,134,444, T>C on the plus strand (A>G on the coding strand, the complement: SAMD9L is on the minus strand). VCF-style: chr7-93134444-T-C. GRCh37 (hg19) VCF-style: chr7-92763757-T-C.
Other names: c.1528A>G, p.Lys510Glu (NM_001303496.3, NM_001303497.3, NM_001303498.3 and 5 more transcripts); c.1528A>G (NM_152703.2); short protein forms K510E.
Identifiers: ClinVar variation 3364684 (VCV003364684.2).
Genomic context (GRCh38, chr7:93,134,444, plus strand): 5'-AAATTAGTTTCCTGACTTCTGAAGCTCTTTCTCTCTGCCATAAATGTGGTTCTAGAGGTT[T>C]ATATGTCTCGCTTTTCAGGTCTGATCTGCCGTTGCAGAAAATCCAGCTGGGCTGTTGGTA-3'
Protein context (NP_689916.2, residues 500-520): GRSDLKSETY[Lys510Glu]PLEPHLWQRE